The following is an entry in ClinVar:

NM_001288705.3(CSF1R):c.2503C>T (p.Gln835Ter)

Gene: CSF1R (colony stimulating factor 1 receptor; minus strand). Cytogenetic location: 5q32.
Variant type: single nucleotide variant.
Coding change: c.2503C>T on transcript NM_001288705.3 (MANE Select); coding-DNA position 2503, C replaced by T.
Protein change: p.Gln835Ter; replaces glutamine 835 with a stop codon.
Molecular consequence: nonsense. On other transcripts: non-coding transcript variant (2).
Genome position (GRCh38, 1-based): chr5:150,056,077, G>A on the plus strand (C>T on the coding strand, the complement: CSF1R is on the minus strand). VCF-style: chr5-150056077-G-A. GRCh37 (hg19) VCF-style: chr5-149435640-G-A.
Other names: c.2503C>T, p.Gln835Ter (NM_001349736.2, NM_001375320.1, NM_005211.4); c.2059C>T, p.Gln687Ter (NM_001375321.1); short protein forms Q687*, Q835*.
Identifiers: ClinVar variation 1029947 (VCV001029947.3), dbSNP rs1403823146, ClinGen allele CA361758430.

ClinVar aggregate classification (germline): Likely pathogenic. Review status: criteria provided, single submitter (1 of 4 stars). 2 submissions from 1 submitter: Likely pathogenic (1). 1 of the submissions does not count toward it. Last evaluated 2024-02-28.

Conditions:
Leukoencephalopathy, diffuse hereditary, with spheroids 1 (HDLS1). Also called: DEMENTIA, FAMILIAL, NEUMANN TYPE; SUBCORTICAL GLIOSIS OF NEUMANN; CSF1R-related adult-onset leukoencephalopathy with axonal spheroids and pigmented glia. Identifiers: Orphanet 313808, MedGen C5561929, MONDO:0800027, OMIM 221820.

Allele frequency attached by ClinVar (database versions not stated): gnomAD exomes below 0.00001; gnomAD 0.00001.
gnomAD v4.1: 3 of 1,614,106 alleles (0.00019%); highest among the groups gnomAD compares: African/African-American, 0.0013%; no homozygotes.

Submissions (2):

Baylor Genetics
Classification: Likely pathogenic for Leukoencephalopathy, diffuse hereditary, with spheroids 1. Last evaluated: 2024-02-28. Review status: criteria provided, single submitter. Criteria: ACMG Guidelines, 2015. Collection method: clinical testing. Allele origin: unknown.

Baylor Genetics
Classification: Likely pathogenic for Leukoencephalopathy, diffuse hereditary, with spheroids 1. Last evaluated: 2023-07-03. Review status: flagged submission. Criteria: ACMG Guidelines, 2015. Collection method: clinical testing. Allele origin: unknown. Not counted in ClinVar's aggregate classification.
ClinVar note: Reason: This record appears to be redundant with a more recent record from the same submitter.
ClinVar note: Notes: SCV004041036 appears to be redundant with SCV001523401.